The following is an entry in ClinVar:

NM_013275.6(ANKRD11):c.7660G>A (p.Ala2554Thr)

Gene: ANKRD11 (ankyrin repeat domain 11; minus strand). Cytogenetic location: 16q24.3.
Variant type: single nucleotide variant.
Coding change: c.7660G>A on transcript NM_013275.6 (MANE Select); coding-DNA position 7660, G replaced by A.
Protein change: p.Ala2554Thr; replaces alanine 2554 with threonine.
Molecular consequence: missense variant.
Genome position (GRCh38, 1-based): chr16:89,274,867, C>T on the plus strand (G>A on the coding strand, the complement: ANKRD11 is on the minus strand). VCF-style: chr16-89274867-C-T. GRCh37 (hg19) VCF-style: chr16-89341275-C-T.
Other names: c.7660G>A, p.Ala2554Thr (NM_001256182.2, NM_001256183.2); short protein forms A2554T.
Identifiers: ClinVar variation 3377251 (VCV003377251.3).

ClinVar aggregate classification (germline): Conflicting classifications of pathogenicity. Review status: criteria provided, conflicting classifications (1 of 4 stars). 3 submissions from 3 submitters: Likely pathogenic (1); Uncertain significance (2). Last evaluated 2025-12-29.

Conditions:
KBG syndrome (KBGS). Also called: ANKRD11-Related KBG Syndrome. Identifiers: Orphanet 2332, MedGen C0220687, MONDO:0007846, OMIM 148050.
ANKRD11-related disorder. Also called: ANKRD11-related condition.

Submissions (3):

PreventionGenetics, part of Exact Sciences
Classification: Uncertain significance for ANKRD11-related condition. Last evaluated: 2025-12-29. Review status: criteria provided, single submitter. Criteria: ACMG Guidelines, 2015. Collection method: clinical testing. Allele origin: germline.
Comment: The ANKRD11 c.7660G>A variant is predicted to result in the amino acid substitution p.Ala2554Thr. To our knowledge, this variant has not been reported in the literature or in a large population database (gnomAD), indicating this variant is rare. At this time, the clinical significance of this variant is uncertain due to the absence of conclusive functional and genetic evidence.

GeneDx
Classification: Uncertain significance. Last evaluated: 2025-03-03. Review status: criteria provided, single submitter. Criteria: GeneDx Variant Classification Process June 2021. Collection method: clinical testing. Allele origin: germline. Affected: yes.
Comment: Not observed at significant frequency in large population cohorts (gnomAD); In silico analysis supports that this missense variant has a deleterious effect on protein structure/function; Has not been previously published as pathogenic or benign to our knowledge

Victorian Clinical Genetics Services, Murdoch Childrens Research Institute
Classification: Likely pathogenic for KBG syndrome. Last evaluated: 2024-10-11. Review status: criteria provided, single submitter. Criteria: ACMG Guidelines, 2015. Collection method: clinical testing. Allele origin: germline. Inheritance: Autosomal dominant inheritance. Affected: yes.
Comment: Based on the classification scheme VCGS_Germline_v1.3.5, this variant is classified as Likely pathogenic. Following criteria are met: 0102 - Loss of function is a known mechanism of disease in this gene and is associated with KBG syndrome (MIM#148050). (I) 0107 - This gene is associated with autosomal dominant disease. (I) 0115 - Variants in this gene are known to have variable expressivity. Intrafamilial variability is commonly reported (PMID: 29258554). (I) 0200 - Variant is predicted to result in a missense amino acid change from alanine to threonine. (I) 0251 - This variant is heterozygous. (I) 0301 - Variant is absent from gnomAD (v2, v3 and v4). (SP) 0502 - Missense variant with conflicting in silico predictions and uninformative conservation. (I) 0604 - Variant is not located in an established domain, motif, hotspot or informative constraint region. (I) 0705 - No comparable missense variants have previous evidence for pathogenicity. (I) 0807 - This variant has no previous evidence of pathogenicity. (I) 0905 - No published segregation evidence has been identified for this variant. (I) 1007 - No published functional evidence has been identified for this variant. (SP) Legend: (SP) - Supporting pathogenic, (I) - Information, (SB) - Supporting benign

Literature cited by the submitters: PubMed 29258554 (cited by Victorian Clinical Genetics Services, Murdoch Childrens Research Institute).